The following is an entry in ClinVar:

NM_020822.3(KCNT1):c.3100G>A (p.Ala1034Thr)

Gene: KCNT1 (potassium sodium-activated channel subfamily T member 1; plus strand). Cytogenetic location: 9q34.3.
Variant type: single nucleotide variant.
Coding change: c.3100G>A on transcript NM_020822.3 (MANE Select); coding-DNA position 3100, G replaced by A.
Protein change: p.Ala1034Thr; replaces alanine 1034 with threonine.
Molecular consequence: missense variant.
Genome position (GRCh38, 1-based): chr9:135,784,833, G>A. VCF-style: chr9-135784833-G-A. GRCh37 (hg19) VCF-style: chr9-138676679-G-A.
Other names: c.2965G>A, p.Ala989Thr (NM_001272003.2); short protein forms A1034T, A989T.
Identifiers: ClinVar variation 412318 (VCV000412318.36), dbSNP rs779961735, ClinGen allele CA5327613.

ClinVar aggregate classification (germline): Conflicting classifications of pathogenicity. Review status: criteria provided, conflicting classifications (1 of 4 stars). 3 submissions from 3 submitters: Uncertain significance (2); Likely benign (1). Last evaluated 2025-12-01.

Conditions:
Developmental and epileptic encephalopathy, 14 (DEE14). Also called: Early infantile epileptic encephalopathy 14. Identifiers: Orphanet 293181, MedGen C3554195, MONDO:0013989, OMIM 614959.
Autosomal dominant nocturnal frontal lobe epilepsy 5. Also called: CILIARY DYSKINESIA, PRIMARY, 28, WITH SITUS INVERSUS; Epilepsy, nocturnal frontal lobe, 5; CILIARY DYSKINESIA, PRIMARY, 28, WITHOUT SITUS INVERSUS; KCNT1-Related Epilepsy. Identifiers: Orphanet 98784, MedGen C3554306, MONDO:0014002, OMIM 615005.

Allele frequency attached by ClinVar (database versions not stated): gnomAD 0.00001; TOPMed 0.00002; gnomAD exomes 0.00003 and 0.00004; ExAC 0.00004.
gnomAD v4.1: 37 of 1,612,816 alleles (0.0023%); highest among the groups gnomAD compares: Admixed American, 0.018%; no homozygotes.

Submissions (3):

Labcorp Genetics (formerly Invitae), Labcorp
Classification: Uncertain significance for Autosomal dominant nocturnal frontal lobe epilepsy 5; Developmental and epileptic encephalopathy, 14. Last evaluated: 2025-12-01. Review status: criteria provided, single submitter. Criteria: Invitae Variant Classification Sherloc (09022015). Collection method: clinical testing. Allele origin: germline.
Comment: This sequence change replaces alanine, which is neutral and non-polar, with threonine, which is neutral and polar, at codon 1034 of the KCNT1 protein (p.Ala1034Thr). This variant is present in population databases (rs779961735, gnomAD 0.03%). This variant has not been reported in the literature in individuals affected with KCNT1-related conditions. ClinVar contains an entry for this variant (Variation ID: 412318). Invitae Evidence Modeling of protein sequence and biophysical properties (such as structural, functional, and spatial information, amino acid conservation, physicochemical variation, residue mobility, and thermodynamic stability) indicates that this missense variant is not expected to disrupt KCNT1 protein function with a negative predictive value of 80%. In summary, the available evidence is currently insufficient to determine the role of this variant in disease. Therefore, it has been classified as a Variant of Uncertain Significance.

GeneDx
Classification: Likely benign. Last evaluated: 2024-07-26. Review status: criteria provided, single submitter. Criteria: GeneDx Variant Classification Process June 2021. Collection method: clinical testing. Allele origin: germline. Affected: yes.
Comment: See Variant Classification Assertion Criteria.

CeGaT Center for Human Genetics Tuebingen
Classification: Uncertain significance. Last evaluated: 2023-10-01. Review status: criteria provided, single submitter. Criteria: CeGaT Center For Human Genetics Tuebingen Variant Classification Criteria Version 2. Collection method: clinical testing. Allele origin: germline. Affected: yes. Observed: 1 variant allele.